The following is an entry in ClinVar:

NM_002905.5(RDH5):c.-1394C>A

Genes: BLOC1S1 (biogenesis of lysosomal organelles complex 1 subunit 1; plus strand), BLOC1S1-RDH5 (BLOC1S1-RDH5 readthrough; plus strand), RDH5 (retinol dehydrogenase 5; plus strand). Cytogenetic location: 12q13.2.
Variant type: single nucleotide variant.
Coding change: c.-1394C>A on transcript NM_002905.5 (MANE Select); 1394 bases upstream of the start codon, C replaced by A.
Molecular consequence: missense variant (on NM_001487.4). On other transcripts: non-coding transcript variant (4).
Genome position (GRCh38, 1-based): chr12:55,719,156, C>A. VCF-style: chr12-55719156-C-A. GRCh37 (hg19) VCF-style: chr12-56112940-C-A.
Other names: c.284C>A, p.Ala95Asp (NM_001487.4); short protein forms A95D.
Identifiers: ClinVar variation 3907099 (VCV003907099.1).

ClinVar aggregate classification (germline): Uncertain significance (1 of 4 stars; one submission).

gnomAD v4.1: 3 of 1,613,896 alleles (0.00019%); highest among the groups gnomAD compares: Non-Finnish European, 0.00025%; no homozygotes.

Submission:

Women's Health and Genetics/Laboratory Corporation of America, LabCorp
Classification: Uncertain significance. Last evaluated: 2025-06-27. Review status: criteria provided, single submitter. Criteria: LabCorp Variant Classification Summary - May 2015. Collection method: clinical testing. Allele origin: germline.
Comment: Variant summary: RDH5 c.-1394C>A (also known as BLOC1S1 c.284C>A, p.A95D) is located in the untranscribed region upstream of the RDH5 gene region. The variant was absent in 251374 control chromosomes. The available data on variant occurrences in the general population are insufficient to allow any conclusion about variant significance. c.-1394C>A has been observed in individual(s) affected with Optic dystrophy (Bertoli-Avella_2021). These report(s) do not provide unequivocal conclusions about association of the variant with Pigmentary retinal dystrophy. To our knowledge, no experimental evidence demonstrating an impact on protein function has been reported. The following publication have been ascertained in the context of this evaluation (PMID: 33875846). No submitters have cited clinical-significance assessments for this variant to ClinVar. Based on the evidence outlined above, the variant was classified as uncertain significance.

Literature cited by the submitters: PubMed 33875846.